The following is an entry in ClinVar:

ClinVar aggregate classification (germline): Pathogenic (1 of 4 stars; one submission).

Conditions:
Glycogen storage disease, type V (GSD5). Also called: McArdle type glycogen storage disease; MCARDLE DISEASE; MUSCLE GLYCOGEN PHOSPHORYLASE DEFICIENCY; MYOPHOSPHORYLASE DEFICIENCY; PYGM DEFICIENCY. Identifiers: Orphanet 368, MedGen C0017924, MONDO:0009293, OMIM 232600.

Submission:

Labcorp Genetics (formerly Invitae), Labcorp
Classification: Pathogenic for Glycogen storage disease, type V. Last evaluated: 2022-02-08. Review status: criteria provided, single submitter. Criteria: Invitae Variant Classification Sherloc (09022015). Collection method: clinical testing. Allele origin: germline.
Comment: For these reasons, this variant has been classified as Pathogenic. This variant has not been reported in the literature in individuals affected with PYGM-related conditions. This variant is not present in population databases (gnomAD no frequency). This sequence change creates a premature translational stop signal (p.Glu358Asnfs*11) in the PYGM gene. It is expected to result in an absent or disrupted protein product. Loss-of-function variants in PYGM are known to be pathogenic (PMID: 8316268, 16786513).

Literature cited by the submitters: PubMed 8316268; PubMed 16786513.

NM_005609.4(PYGM):c.1072del (p.Glu358fs)

Gene: PYGM (glycogen phosphorylase, muscle associated; minus strand). Cytogenetic location: 11q13.1.
Variant type: Deletion.
Coding change: c.1072del on transcript NM_005609.4 (MANE Select); coding-DNA position 1072, one base deleted (G; older notation c.1072delG).
Protein change: p.Glu358fs; shifts the reading frame from glutamic acid 358.
Molecular consequence: frameshift variant.
Genome position (GRCh38, 1-based): chr11:64,754,273, C deleted on the plus strand (G on the coding strand, the reverse complement: PYGM is on the minus strand); the first of 2 consecutive C bases (chr11:64,754,273-64,754,274); deleting either gives the same sequence. VCF-style (leftmost placement, unchanged base first): chr11-64754272-TC-T. GRCh37 (hg19) VCF-style: chr11-64521744-TC-T.
Other names: c.808del, p.Glu270fs (NM_001164716.1); short protein forms E358fs, E270fs.
Identifiers: ClinVar variation 2095175 (VCV002095175.4), dbSNP rs2496659813, ClinGen allele CA2580084686.
Genomic context (GRCh38, chr11:64,754,272, plus strand): 5'-GCAGAGAGCATCAGATGGGGCAGAGGGGCCCTGAAGCCCACCTTGTCCCAGTCCATCCGT[TC>T]CAGGTCCACCAGGATCCTCATCAGCTCGGGGATGGCCAGGGAGGGGTGGGTGTCATTGAG-3'